The following is an entry in ClinVar:

NM_000088.4(COL1A1):c.1983+1G>C

Gene: COL1A1 (collagen type I alpha 1 chain; minus strand). Cytogenetic location: 17q21.33.
Variant type: single nucleotide variant.
Coding change: c.1983+1G>C on transcript NM_000088.4 (MANE Select); the canonical splice donor site of the intron after coding-DNA position 1983, G replaced by C.
Molecular consequence: splice donor variant.
Genome position (GRCh38, 1-based): chr17:50,192,474, C>G on the plus strand (G>C on the coding strand, the complement: COL1A1 is on the minus strand). VCF-style: chr17-50192474-C-G. GRCh37 (hg19) VCF-style: chr17-48269835-C-G.
Identifiers: ClinVar variation 2717941 (VCV002717941.3), dbSNP rs2509205431, ClinGen allele CA400213003.

ClinVar aggregate classification (germline): Pathogenic (1 of 4 stars; one submission).

Conditions:
Osteogenesis imperfecta type I (OI1). Also called: Lobstein's Disease; Classic Non-deforming Osteogenesis Imperfecta with Blue Sclerae; Lobstein disease; OI, TYPE I; OSTEOGENESIS IMPERFECTA TARDA; OSTEOGENESIS IMPERFECTA WITH BLUE SCLERAE. Identifiers: Orphanet 216796, Orphanet 666, MedGen C0023931, MONDO:0008146, OMIM 166200. Disease mechanism: loss of function.

Submission:

Labcorp Genetics (formerly Invitae), Labcorp
Classification: Pathogenic for Osteogenesis imperfecta type I. Last evaluated: 2023-06-20. Review status: criteria provided, single submitter. Criteria: Invitae Variant Classification Sherloc (09022015). Collection method: clinical testing. Allele origin: germline.
Comment: This sequence change affects a donor splice site in intron 29 of the COL1A1 gene. It is expected to disrupt RNA splicing. Variants that disrupt the donor or acceptor splice site typically lead to a loss of protein function (PMID: 16199547), and loss-of-function variants in COL1A1 are known to be pathogenic (PMID: 7942841, 9295084, 9443882). This variant is not present in population databases (gnomAD no frequency). Disruption of this splice site has been observed in individual(s) with osteogenesis imperfecta (PMID: 25963598). Algorithms developed to predict the effect of sequence changes on RNA splicing suggest that this variant may disrupt the consensus splice site. For these reasons, this variant has been classified as Pathogenic.

Literature cited by the submitters: PubMed 16199547; PubMed 7942841; PubMed 9295084; PubMed 9443882; PubMed 25963598.